The following is an entry in ClinVar:

NC_000017.11:g.(?_31095030)_(31095379_?)del

Gene: NF1 (neurofibromin 1; plus strand). Cytogenetic location: 17q11.2.
Variant type: Deletion.
Identifiers: ClinVar variation 831526 (VCV000831526.1).

ClinVar aggregate classification (germline): Pathogenic (1 of 4 stars; one submission).

Conditions:
Neurofibromatosis, type 1 (NF1). Also called: Neurofibromatosis, type I; Peripheral type neurofibromatosis; VON RECKLINGHAUSEN DISEASE; NEUROFIBROMATOSIS, TYPE I, SOMATIC. Identifiers: Orphanet 636, MedGen C0027831, MONDO:0018975, OMIM 162200. Disease mechanism: loss of function.

Submission:

Labcorp Genetics (formerly Invitae), Labcorp
Classification: Pathogenic for Neurofibromatosis, type 1. Last evaluated: 2019-08-05. Review status: criteria provided, single submitter. Criteria: Invitae Variant Classification Sherloc (09022015). Collection method: clinical testing. Allele origin: germline.
Comment: This variant is a gross deletion of the genomic region encompassing exon 1 of the NF1 gene, which includes the initiator codon. The 5' end of this event is unknown as it extends beyond the assayed region for this gene and therefore may encompass additional genes. The 3' boundary is likely confined to intron 1 of the NF1 gene. This is expected to result in an absent or disrupted protein product. Loss-of-function variants in NF1 are known to be pathogenic. This particular deletion of exon 1 has been reported in individuals affected with neurofibromatosis type 1 (NF1) (PMID: 16283621). For these reasons, this variant has been classified as Pathogenic.

Literature cited by the submitters: PubMed 16283621.